The following is an entry in ClinVar:

ClinVar aggregate classification (germline): Benign. Review status: criteria provided, multiple submitters, no conflicts (2 of 4 stars). 3 submissions from 3 submitters: Benign (3). Last evaluated 2021-07-15.

Conditions:
Neuropathy, hereditary sensory and autonomic, type 1C. Also called: HSAN IC; HSN IC. Identifiers: Orphanet 36386, MedGen C3150896, MONDO:0013337, OMIM 613640.

Allele frequency attached by ClinVar (database versions not stated): TOPMed 0.68786; 1000 Genomes Project 30x 0.69316; ESP Exome Variant Server 0.69660; 1000 Genomes Project 0.69868; gnomAD 0.70676; ExAC 0.72099.
gnomAD v4.1: 1,168,670 of 1,593,132 alleles (73%); highest among the groups gnomAD compares: East Asian, 94%; 432,000 homozygotes.

Submissions (3):

Genome-Nilou Lab
Classification: Benign for Neuropathy, hereditary sensory and autonomic, type 1C. Last evaluated: 2021-07-15. Review status: criteria provided, single submitter. Criteria: ACMG Guidelines, 2015. Collection method: clinical testing. Allele origin: germline. Affected: no.

GeneDx
Classification: Benign. Last evaluated: 2018-06-14. Review status: criteria provided, single submitter. Criteria: GeneDx Variant Classification (06012015). Collection method: clinical testing. Allele origin: germline. Affected: yes.
Comment: This variant is considered likely benign or benign based on one or more of the following criteria: it is a conservative change, it occurs at a poorly conserved position in the protein, it is predicted to be benign by multiple in silico algorithms, and/or has population frequency not consistent with disease.

Breakthrough Genomics
Classification: Benign. Review status: criteria provided, single submitter. Criteria: ACMG Guidelines, 2015. Collection method: not provided. Allele origin: germline. Inheritance: Autosomal dominant inheritance. Affected: yes.

NM_004863.4(SPTLC2):c.1304-34G>T

Gene: SPTLC2 (serine palmitoyltransferase long chain base subunit 2; minus strand). Cytogenetic location: 14q24.3.
Variant type: single nucleotide variant.
Coding change: c.1304-34G>T on transcript NM_004863.4 (MANE Select); 34 bases into the intron before coding-DNA position 1304, G replaced by T.
Molecular consequence: intron variant.
Genome position (GRCh38, 1-based): chr14:77,521,615, C>A on the plus strand (G>T on the coding strand, the complement: SPTLC2 is on the minus strand). VCF-style: chr14-77521615-C-A. GRCh37 (hg19) VCF-style: chr14-77987958-C-A.
Identifiers: ClinVar variation 670586 (VCV000670586.4), dbSNP rs2072672, ClinGen allele CA7289189.